The following is an entry in ClinVar:

ClinVar aggregate classification (germline): Uncertain significance (1 of 4 stars; one submission).

Conditions:
Glanzmann thrombasthenia. Also called: BLEEDING DISORDER, PLATELET-TYPE, 2; THROMBASTHENIA OF GLANZMANN AND NAEGELI; PLATELET GLYCOPROTEIN IIb-IIIa DEFICIENCY; Thrombasthenia; Glanzmann's thrombasthenia. Identifiers: Orphanet 849, MedGen C0040015, MONDO:0100326.

Submission:

Labcorp Genetics (formerly Invitae), Labcorp
Classification: Uncertain significance for Glanzmann thrombasthenia. Last evaluated: 2022-05-04. Review status: criteria provided, single submitter. Criteria: Invitae Variant Classification Sherloc (09022015). Collection method: clinical testing. Allele origin: germline.
Comment: In summary, the available evidence is currently insufficient to determine the role of this variant in disease. Therefore, it has been classified as a Variant of Uncertain Significance. Algorithms developed to predict the effect of missense changes on protein structure and function are either unavailable or do not agree on the potential impact of this missense change (SIFT: "Tolerated"; PolyPhen-2: "Possibly Damaging"; Align-GVGD: "Class C0"). This variant has not been reported in the literature in individuals affected with ITGA2B-related conditions. This variant is not present in population databases (gnomAD no frequency). This sequence change replaces glutamic acid, which is acidic and polar, with glycine, which is neutral and non-polar, at codon 314 of the ITGA2B protein (p.Glu314Gly).

NM_000419.5(ITGA2B):c.941A>G (p.Glu314Gly)

Gene: ITGA2B (integrin subunit alpha 2b; minus strand). Cytogenetic location: 17q21.31.
Variant type: single nucleotide variant.
Coding change: c.941A>G on transcript NM_000419.5 (MANE Select); coding-DNA position 941, A replaced by G.
Protein change: p.Glu314Gly; replaces glutamic acid 314 with glycine.
Molecular consequence: missense variant.
Genome position (GRCh38, 1-based): chr17:44,384,089, T>C on the plus strand (A>G on the coding strand, the complement: ITGA2B is on the minus strand). VCF-style: chr17-44384089-T-C. GRCh37 (hg19) VCF-style: chr17-42461457-T-C.
Other names: short protein forms E314G.
Identifiers: ClinVar variation 2133349 (VCV002133349.4), dbSNP rs2510082797, ClinGen allele CA399804827.